The following is an entry in ClinVar:

NM_138694.4(PKHD1):c.11310+1G>C

Gene: PKHD1 (PKHD1 ciliary IPT domain containing fibrocystin/polyductin; minus strand). Cytogenetic location: 6p12.3.
Variant type: single nucleotide variant.
Coding change: c.11310+1G>C on transcript NM_138694.4 (MANE Select); the canonical splice donor site of the intron after coding-DNA position 11310, G replaced by C.
Molecular consequence: splice donor variant.
Genome position (GRCh38, 1-based): chr6:51,649,084, C>G on the plus strand (G>C on the coding strand, the complement: PKHD1 is on the minus strand). VCF-style: chr6-51649084-C-G. GRCh37 (hg19) VCF-style: chr6-51513882-C-G.
Other names: c.11310+1G>C (NM_138694.3).
Identifiers: ClinVar variation 1521234 (VCV001521234.10), dbSNP rs1365407882, ClinGen allele CA364425650.

ClinVar aggregate classification (germline): Pathogenic/Likely pathogenic. Review status: criteria provided, multiple submitters, no conflicts (2 of 4 stars). 5 submissions from 5 submitters: Pathogenic (2); Likely pathogenic (3). Last evaluated 2025-07-07.

Conditions:
Polycystic kidney disease 4 (PKD4). Also called: POLYCYSTIC KIDNEY DISEASE 4 WITH OR WITHOUT POLYCYSTIC LIVER DISEASE; PKD3; Autosomal Recessive Polycystic Kidney Disease – PKHD1; POLYCYSTIC KIDNEY AND HEPATIC DISEASE 1; POLYCYSTIC KIDNEY DISEASE, INFANTILE, TYPE I. Identifiers: MedGen C4540575, MONDO:0033004, OMIM 263200.
PKHD1-related disorder. Also called: PKHD1-related condition.
Autosomal recessive polycystic kidney disease (ARPKD). Also called: AR polycystic kidney disease. Identifiers: Orphanet 731, Orphanet 8378, MedGen C0085548, MeSH D017044, MONDO:0009889.

Submissions (5):

Natera, Inc.
Classification: Likely pathogenic for Autosomal recessive polycystic kidney disease. Last evaluated: 2025-07-07. Review status: criteria provided, single submitter. Criteria: Natera Variant Classification Schema (03/2026). Collection method: clinical testing. Allele origin: germline.
Comment: The c.11310+1G>C variant in PKHD1 is a canonical splice donor site variant predicted to affect pre-mRNA splicing, which may result in an abnormal transcript and altered protein product. This variant is expected to result in nonsense mediated decay, truncation, or a dysfunctional protein product. This variant is rare in the general population with a frequency below the threshold expected for the associated phenotype(s). Given the available evidence, this variant is classified as Likely Pathogenic.

GeneDx
Classification: Pathogenic. Last evaluated: 2024-06-05. Review status: criteria provided, single submitter. Criteria: GeneDx Variant Classification Process June 2021. Collection method: clinical testing. Allele origin: germline. Affected: yes.
Comment: Canonical splice site variant predicted to result in a null allele in a gene for which loss of function is a known mechanism of disease; Not observed at significant frequency in large population cohorts (gnomAD); Has not been previously published as pathogenic or benign to our knowledge

PreventionGenetics, part of Exact Sciences
Classification: Pathogenic for PKHD1-related condition. Last evaluated: 2023-10-12. Review status: criteria provided, single submitter. Criteria: ACMG Guidelines, 2015. Collection method: clinical testing. Allele origin: germline.
Comment: The PKHD1 c.11310+1G>C variant is predicted to disrupt the GT donor site and interfere with normal splicing. To our knowledge, this variant has not been reported in the literature or in a large population database, indicating this variant is rare. Variants that disrupt the consensus splice donor site in PKHD1 are expected to be pathogenic. This variant is interpreted as pathogenic.

Baylor Genetics
Classification: Likely pathogenic for Polycystic kidney disease 4. Last evaluated: 2022-05-30. Review status: criteria provided, single submitter. Criteria: ACMG Guidelines, 2015. Collection method: clinical testing. Allele origin: unknown.

Labcorp Genetics (formerly Invitae), Labcorp
Classification: Likely pathogenic for Autosomal recessive polycystic kidney disease. Last evaluated: 2021-08-18. Review status: criteria provided, single submitter. Criteria: Invitae Variant Classification Sherloc (09022015). Collection method: clinical testing. Allele origin: germline.
Comment: In summary, the currently available evidence indicates that the variant is pathogenic, but additional data are needed to prove that conclusively. Therefore, this variant has been classified as Likely Pathogenic. Algorithms developed to predict the effect of sequence changes on RNA splicing suggest that this variant may disrupt the consensus splice site. This variant has not been reported in the literature in individuals affected with PKHD1-related conditions. This variant is not present in population databases (ExAC no frequency). This sequence change affects a donor splice site in intron 62 of the PKHD1 gene. It is expected to disrupt RNA splicing. Variants that disrupt the donor or acceptor splice site typically lead to a loss of protein function (PMID: 16199547), and loss-of-function variants in PKHD1 are known to be pathogenic (PMID: 19940839).

Literature cited by the submitters: PubMed 16199547 (cited by Labcorp Genetics (formerly Invitae), Labcorp); PubMed 19940839 (cited by Labcorp Genetics (formerly Invitae), Labcorp).